The following is an entry in ClinVar:

ClinVar aggregate classification (germline): Uncertain significance (1 of 4 stars; one submission).

Conditions:
Microcephaly, normal intelligence and immunodeficiency (NBS). Also called: BERLIN BREAKAGE SYNDROME; Immunodeficiency, microcephaly with normal intelligence; Ataxia telangiectasia variant V1; SEEMANOVA SYNDROME II; Nijmegen breakage syndrome; Microcephaly with normal intelligence immunodeficiency and lymphoreticular malignancies. Identifiers: Orphanet 647, MedGen C0398791, MONDO:0009623, OMIM 251260.

Submission:

Labcorp Genetics (formerly Invitae), Labcorp
Classification: Uncertain significance for Microcephaly, normal intelligence and immunodeficiency. Last evaluated: 2019-06-29. Review status: criteria provided, single submitter. Criteria: Invitae Variant Classification Sherloc (09022015). Collection method: clinical testing. Allele origin: germline.
Comment: Algorithms developed to predict the effect of sequence changes on RNA splicing suggest that this variant may create or strengthen a splice site, but this prediction has not been confirmed by published transcriptional studies. This sequence change replaces threonine with serine at codon 668 of the NBN protein (p.Thr668Ser). The threonine residue is weakly conserved and there is a small physicochemical difference between threonine and serine. This variant is not present in population databases (ExAC no frequency). This variant has not been reported in the literature in individuals with NBN-related conditions. Algorithms developed to predict the effect of missense changes on protein structure and function output the following: SIFT: "Tolerated"; PolyPhen-2: "Benign"; Align-GVGD: "Class C0". The serine amino acid residue is found in multiple mammalian species, suggesting that this missense change does not adversely affect protein function. These predictions have not been confirmed by published functional studies and their clinical significance is uncertain. In summary, the available evidence is currently insufficient to determine the role of this variant in disease. Therefore, it has been classified as a Variant of Uncertain Significance.

NM_002485.5(NBN):c.2003C>G (p.Thr668Ser)

Gene: NBN (nibrin; minus strand). Cytogenetic location: 8q21.3.
Variant type: single nucleotide variant.
Coding change: c.2003C>G on transcript NM_002485.5 (MANE Select); coding-DNA position 2003, C replaced by G.
Protein change: p.Thr668Ser; replaces threonine 668 with serine.
Molecular consequence: missense variant.
Genome position (GRCh38, 1-based): chr8:89,946,207, G>C on the plus strand (C>G on the coding strand, the complement: NBN is on the minus strand). VCF-style: chr8-89946207-G-C. GRCh37 (hg19) VCF-style: chr8-90958435-G-C.
Other names: c.1757C>G, p.Thr586Ser (NM_001024688.3); short protein forms T586S, T668S.
Identifiers: ClinVar variation 939438 (VCV000939438.9), dbSNP rs876658336, ClinGen allele CA371676462.